The following is an entry in ClinVar:

ClinVar aggregate classification (germline): Uncertain significance (1 of 4 stars; one submission).

Conditions:
Autosomal dominant aplasia and myelodysplasia. Also called: Bone marrow failure syndrome 1. Identifiers: Orphanet 314399, MedGen C3808553, MONDO:0013851, OMIM 614675.

gnomAD v4.1: 4 of 1,612,266 alleles (0.00025%); highest among the groups gnomAD compares: Admixed American, 0.005%; no homozygotes.

Submission:

St. Jude Molecular Pathology, St. Jude Children's Research Hospital
Classification: Uncertain significance for Autosomal dominant aplasia and myelodysplasia. Last evaluated: 2024-06-21. Review status: criteria provided, single submitter. Criteria: St. Jude Assertion Criteria 2020. Collection method: clinical testing. Allele origin: germline.
Comment: The SRP72 c.1843G>T (p.Ala615Ser) missense change is absent in gnomAD v2.1.1. The in silico tool REVEL is inconclusive about a pathogenic or benign effect of this variant on protein function, and to our knowledge functional studies have not been performed. To our knowledge, this variant has not been reported in individuals with SRP72-related bone marrow failure. In summary, the evidence currently available is insufficient to determine the clinical significance of this variant. It has therefore been classified as of uncertain significance.

NM_006947.4(SRP72):c.1843G>T (p.Ala615Ser)

Gene: SRP72 (signal recognition particle 72; plus strand). Cytogenetic location: 4q12.
Variant type: single nucleotide variant.
Coding change: c.1843G>T on transcript NM_006947.4 (MANE Select); coding-DNA position 1843, G replaced by T.
Protein change: p.Ala615Ser; replaces alanine 615 with serine.
Molecular consequence: missense variant. On other transcripts: non-coding transcript variant (1).
Genome position (GRCh38, 1-based): chr4:56,501,688, G>T. VCF-style: chr4-56501688-G-T. GRCh37 (hg19) VCF-style: chr4-57367854-G-T.
Other names: c.1660G>T, p.Ala554Ser (NM_001267722.2); short protein forms A554S, A615S.
Identifiers: ClinVar variation 3377807 (VCV003377807.1).